The following is an entry in ClinVar:

NM_152515.5(CKAP2L):c.1822+1G>A

Genes: CKAP2L (cytoskeleton associated protein 2L; minus strand), NT5DC4 (5'-nucleotidase domain containing 4; plus strand). Cytogenetic location: 2q14.1.
Variant type: single nucleotide variant.
Coding change: c.1822+1G>A on transcript NM_152515.5 (MANE Select); the canonical splice donor site of the intron after coding-DNA position 1822, G replaced by A.
Molecular consequence: splice donor variant. On other transcripts: 3 prime UTR variant (1).
Genome position (GRCh38, 1-based): chr2:112,742,705, C>T on the plus strand (G>A on the coding strand, the complement: CKAP2L is on the minus strand). VCF-style: chr2-112742705-C-T. GRCh37 (hg19) VCF-style: chr2-113500282-C-T.
Other names: c.*255C>T (NM_001350494.2); c.1327+1G>A (NM_001304361.2).
Identifiers: ClinVar variation 984719 (VCV000984719.3), dbSNP rs1680053234, ClinGen allele CA348291762.

ClinVar aggregate classification (germline): Pathogenic (1 of 4 stars; one submission).

Conditions:
Filippi syndrome (FLPIS). Identifiers: Orphanet 3255, MedGen C0795940, MONDO:0010092, OMIM 272440.

Submission:

Institute of Human Genetics, University of Leipzig Medical Center
Classification: Pathogenic for Filippi syndrome. Last evaluated: 2020-03-01. Review status: criteria provided, single submitter. Criteria: ACMG Guidelines, 2015. Collection method: clinical testing. Allele origin: biparental. Inheritance: Autosomal recessive inheritance. Affected: yes.
Comment: Review of the variants reported in Reuter et al., 2017, PMID: 28097321: PVS1, PM2, PM3